The following is an entry in ClinVar:

ClinVar aggregate classification (germline): Uncertain significance (1 of 4 stars; one submission).

Conditions:
Peroxisome biogenesis disorder 3A (Zellweger). Also called: PEROXISOMAL BIOGENESIS DISORDER 3A (ZELLWEGER); Peroxisome biogenesis disorder 3A. Identifiers: Orphanet 912, MedGen C3553929, MONDO:0013927, OMIM 614859.

Allele frequency attached by ClinVar (database versions not stated): gnomAD exomes below 0.00001.
gnomAD v4.1: 1 of 1,613,904 alleles (0.000062%); highest among the groups gnomAD compares: East Asian, 0.0022%; no homozygotes.

Submission:

Labcorp Genetics (formerly Invitae), Labcorp
Classification: Uncertain significance for Peroxisome biogenesis disorder 3A (Zellweger). Last evaluated: 2022-02-01. Review status: criteria provided, single submitter. Criteria: Invitae Variant Classification Sherloc (09022015). Collection method: clinical testing. Allele origin: germline.
Comment: In summary, the available evidence is currently insufficient to determine the role of this variant in disease. Therefore, it has been classified as a Variant of Uncertain Significance. Algorithms developed to predict the effect of missense changes on protein structure and function (SIFT, PolyPhen-2, Align-GVGD) all suggest that this variant is likely to be tolerated. ClinVar contains an entry for this variant (Variation ID: 853889). This variant has not been reported in the literature in individuals affected with PEX12-related conditions. This variant is not present in population databases (gnomAD no frequency). This sequence change replaces aspartic acid, which is acidic and polar, with glycine, which is neutral and non-polar, at codon 67 of the PEX12 protein (p.Asp67Gly).

NM_000286.3(PEX12):c.200A>G (p.Asp67Gly)

Gene: PEX12 (peroxisomal biogenesis factor 12; minus strand). Cytogenetic location: 17q12.
Variant type: single nucleotide variant.
Coding change: c.200A>G on transcript NM_000286.3 (MANE Select); coding-DNA position 200, A replaced by G.
Protein change: p.Asp67Gly; replaces aspartic acid 67 with glycine.
Molecular consequence: missense variant.
Genome position (GRCh38, 1-based): chr17:35,577,518, T>C on the plus strand (A>G on the coding strand, the complement: PEX12 is on the minus strand). VCF-style: chr17-35577518-T-C. GRCh37 (hg19) VCF-style: chr17-33904537-T-C.
Other names: short protein forms D67G.
Identifiers: ClinVar variation 853889 (VCV000853889.9), dbSNP rs2072793873, ClinGen allele CA399138644.